The following is an entry in ClinVar:

NM_001283009.2(RTEL1):c.1800+4G>C

Genes: RTEL1-TNFRSF6B (RTEL1-TNFRSF6B readthrough (NMD candidate); plus strand), RTEL1 (regulator of telomere elongation helicase 1; plus strand). Cytogenetic location: 20q13.33.
Variant type: single nucleotide variant.
Coding change: c.1800+4G>C on transcript NM_001283009.2 (MANE Select); 4 bases into the intron after coding-DNA position 1800, G replaced by C.
Molecular consequence: intron variant.
Genome position (GRCh38, 1-based): chr20:63,688,609, G>C. VCF-style: chr20-63688609-G-C. GRCh37 (hg19) VCF-style: chr20-62319962-G-C.
Other names: c.1131+4G>C (NM_001283010.1); c.1872+4G>C (NM_032957.5); c.1800+4G>C (NM_016434.4).
Identifiers: ClinVar variation 578824 (VCV000578824.10), dbSNP rs370973086, ClinGen allele CA891843871.

ClinVar aggregate classification (germline): Conflicting classifications of pathogenicity. Review status: criteria provided, conflicting classifications (1 of 4 stars). 2 submissions from 2 submitters: Uncertain significance (1); Likely benign (1). Last evaluated 2020-12-08.

Conditions:
Dyskeratosis congenita, autosomal recessive 5 (DKCB5). Identifiers: MedGen C3554656, MONDO:0014076, OMIM 615190.
Pulmonary fibrosis and/or bone marrow failure, Telomere-related, 3. Also called: PULMONARY FIBROSIS AND/OR BONE MARROW FAILURE SYNDROME, TELOMERE-RELATED, 3. Identifiers: Orphanet 2032, MedGen C4225346, MONDO:0014613, OMIM 616373.

Submissions (2):

Blueprint Genetics
Classification: Likely benign. Last evaluated: 2020-12-08. Review status: criteria provided, single submitter. Criteria: ACMG Guidelines, 2015. Collection method: clinical testing. Allele origin: germline.

Labcorp Genetics (formerly Invitae), Labcorp
Classification: Uncertain significance for Dyskeratosis congenita, autosomal recessive 5; Pulmonary fibrosis and/or bone marrow failure, Telomere-related, 3. Last evaluated: 2018-06-23. Review status: criteria provided, single submitter. Criteria: Invitae Variant Classification Sherloc (09022015). Collection method: clinical testing. Allele origin: germline.
Comment: In summary, the available evidence is currently insufficient to determine the role of this variant in disease. Therefore, it has been classified as a Variant of Uncertain Significance. Nucleotide substitutions within the consensus splice site are a relatively common cause of aberrant splicing (PMID: 17576681, 9536098). Algorithms developed to predict the effect of sequence changes on RNA splicing suggest that this variant may disrupt the consensus splice site, but this prediction has not been confirmed by published transcriptional studies. This variant has not been reported in the literature in individuals with RTEL1-related disease. This variant is not present in population databases (ExAC no frequency). This sequence change falls in intron 21 of the RTEL1 gene. It does not directly change the encoded amino acid sequence of the RTEL1 protein, but it affects a nucleotide within the consensus splice site of the intron.

Literature cited by the submitters: PubMed 17576681 (cited by Labcorp Genetics (formerly Invitae), Labcorp); PubMed 9536098 (cited by Labcorp Genetics (formerly Invitae), Labcorp).